The following is an entry in ClinVar:

ClinVar aggregate classification (germline): Uncertain significance. Review status: criteria provided, multiple submitters, no conflicts (2 of 4 stars). 3 submissions from 3 submitters: Uncertain significance (3). Last evaluated 2026-01-26.

Conditions:
Familial cancer of breast. Also called: hereditary breast carcinoma; BREAST CANCER, FAMILIAL; Hereditary breast cancer. Identifiers: Orphanet 227535, MedGen C0346153, MONDO:0016419, OMIM 114480. Disease mechanism: loss of function.
Fanconi anemia complementation group J. Also called: BRIP1-Related Fanconi Anemia. Identifiers: Orphanet 84, MedGen C1836860, MONDO:0012187, OMIM 609054.
Hereditary cancer-predisposing syndrome. Also called: Hereditary neoplastic syndrome; Tumor predisposition; Hereditary Cancer Syndrome; Neoplastic Syndromes, Hereditary. Identifiers: Orphanet 140162, MedGen C0027672, MeSH D009386, MONDO:0015356.

Allele frequency attached by ClinVar (database versions not stated): gnomAD below 0.00001 and 0.00001; gnomAD exomes below 0.00001; ExAC 0.00001.
gnomAD v4.1: 5 of 1,606,566 alleles (0.00031%); highest among the groups gnomAD compares: South Asian, 0.0056%; no homozygotes.

Submissions (3):

Labcorp Genetics (formerly Invitae), Labcorp
Classification: Uncertain significance for Familial cancer of breast; Fanconi anemia complementation group J. Last evaluated: 2026-01-26. Review status: criteria provided, single submitter. Criteria: Invitae Variant Classification Sherloc (09022015). Collection method: clinical testing. Allele origin: germline.
Comment: This sequence change replaces histidine, which is basic and polar, with arginine, which is basic and polar, at codon 804 of the BRIP1 protein (p.His804Arg). This variant is present in population databases (rs777277034, gnomAD 0.003%). This variant has not been reported in the literature in individuals affected with BRIP1-related conditions. ClinVar contains an entry for this variant (Variation ID: 576926). Invitae Evidence Modeling of protein sequence and biophysical properties (such as structural, functional, and spatial information, amino acid conservation, physicochemical variation, residue mobility, and thermodynamic stability) has been performed for this missense variant. However, the output from this modeling did not meet the statistical confidence thresholds required to predict the impact of this variant on BRIP1 protein function. In summary, the available evidence is currently insufficient to determine the role of this variant in disease. Therefore, it has been classified as a Variant of Uncertain Significance.

Ambry Genetics
Classification: Uncertain significance for Hereditary cancer-predisposing syndrome. Last evaluated: 2025-10-05. Review status: criteria provided, single submitter. Criteria: Ambry Variant Classification Scheme 2023. Collection method: clinical testing. Allele origin: germline.
Comment: The p.H804R variant (also known as c.2411A>G), located in coding exon 16 of the BRIP1 gene, results from an A to G substitution at nucleotide position 2411. The histidine at codon 804 is replaced by arginine, an amino acid with highly similar properties. This alteration was observed within individuals with a personal history of breast cancer. (Easton DF et al. J Med Genet, 2016 May;53:298-309). This amino acid position is highly conserved in available vertebrate species. In addition, the in silico prediction for this alteration is inconclusive. Since supporting evidence is limited at this time, the clinical significance of this alteration remains unclear.

Baylor Genetics
Classification: Uncertain significance for Familial cancer of breast. Last evaluated: 2023-07-25. Review status: criteria provided, single submitter. Criteria: ACMG Guidelines, 2015. Collection method: clinical testing. Allele origin: unknown.

Literature cited by the submitters: PubMed 26921362 (cited by Ambry Genetics).

NM_032043.3(BRIP1):c.2411A>G (p.His804Arg)

Gene: BRIP1 (BRCA1 interacting DNA helicase 1; minus strand). Cytogenetic location: 17q23.2.
Variant type: single nucleotide variant.
Coding change: c.2411A>G on transcript NM_032043.3 (MANE Select); coding-DNA position 2411, A replaced by G.
Protein change: p.His804Arg; replaces histidine 804 with arginine.
Molecular consequence: missense variant.
Genome position (GRCh38, 1-based): chr17:61,716,032, T>C on the plus strand (A>G on the coding strand, the complement: BRIP1 is on the minus strand). VCF-style: chr17-61716032-T-C. GRCh37 (hg19) VCF-style: chr17-59793393-T-C.
Other names: short protein forms H804R.
Identifiers: ClinVar variation 576926 (VCV000576926.14), dbSNP rs777277034, ClinGen allele CA8690532.